The following is an entry in ClinVar:

ClinVar aggregate classification (germline): Uncertain significance (1 of 4 stars; one submission).

Conditions:
Parathyroid carcinoma (PRTC). Also called: Parathyroid gland carcinoma; CDC73-Related Parathyroid Carcinoma. Identifiers: Orphanet 143, MedGen C0687150, MONDO:0012004, OMIM 608266, HP:0006780.

Allele frequency attached by ClinVar (database versions not stated): gnomAD exomes below 0.00001.

Submission:

Labcorp Genetics (formerly Invitae), Labcorp
Classification: Uncertain significance for Parathyroid carcinoma. Last evaluated: 2020-06-17. Review status: criteria provided, single submitter. Criteria: Invitae Variant Classification Sherloc (09022015). Collection method: clinical testing. Allele origin: germline.
Comment: In summary, the available evidence is currently insufficient to determine the role of this variant in disease. Therefore, it has been classified as a Variant of Uncertain Significance. Algorithms developed to predict the effect of missense changes on protein structure and function (SIFT, PolyPhen-2, Align-GVGD) all suggest that this variant is likely to be tolerated, but these predictions have not been confirmed by published functional studies and their clinical significance is uncertain. This variant has not been reported in the literature in individuals with CDC73-related conditions. This variant is not present in population databases (ExAC no frequency). This sequence change replaces alanine with valine at codon 327 of the CDC73 protein (p.Ala327Val). The alanine residue is moderately conserved and there is a small physicochemical difference between alanine and valine.

NM_024529.5(CDC73):c.980C>T (p.Ala327Val)

Gene: CDC73 (cell division cycle 73; plus strand). Cytogenetic location: 1q31.2.
Variant type: single nucleotide variant.
Coding change: c.980C>T on transcript NM_024529.5 (MANE Select); coding-DNA position 980, C replaced by T.
Protein change: p.Ala327Val; replaces alanine 327 with valine.
Molecular consequence: missense variant.
Genome position (GRCh38, 1-based): chr1:193,203,802, C>T. VCF-style: chr1-193203802-C-T. GRCh37 (hg19) VCF-style: chr1-193172932-C-T.
Other names: short protein forms A327V.
Identifiers: ClinVar variation 1044991 (VCV001044991.9), dbSNP rs1677131810, ClinGen allele CA344076094.